The following is an entry in ClinVar:

ClinVar aggregate classification (germline): Pathogenic (1 of 4 stars; one submission).

Conditions:
Hyperammonemia, type III (NAGSD). Also called: Hyperammonemia due to N-acetylglutamate synthase deficiency. Identifiers: Orphanet 927, MedGen C0268543, MONDO:0009377, OMIM 237310.

Submission:

Labcorp Genetics (formerly Invitae), Labcorp
Classification: Pathogenic for Hyperammonemia, type III. Last evaluated: 2024-02-18. Review status: criteria provided, single submitter. Criteria: Invitae Variant Classification Sherloc (09022015). Collection method: clinical testing. Allele origin: germline.
Comment: This sequence change creates a premature translational stop signal (p.His488Glnfs*2) in the NAGS gene. While this is not anticipated to result in nonsense mediated decay, it is expected to disrupt the last 47 amino acid(s) of the NAGS protein. This variant is not present in population databases (gnomAD no frequency). This premature translational stop signal has been observed in individual(s) with N-acetylglutamate synthase deficiency (PMID: 25787344). This variant disrupts a region of the NAGS protein in which other variant(s) (p.Arg509Gln) have been determined to be pathogenic (PMID: 15050968, 15714518). This suggests that this is a clinically significant region of the protein, and that variants that disrupt it are likely to be disease-causing. For these reasons, this variant has been classified as Pathogenic.

Literature cited by the submitters: PubMed 25787344; PubMed 15050968; PubMed 15714518.

NM_153006.3(NAGS):c.1464_1465del (p.His488fs)

Gene: NAGS (N-acetylglutamate synthase; plus strand). Cytogenetic location: 17q21.31.
Variant type: Microsatellite.
Coding change: c.1464_1465del on transcript NM_153006.3 (MANE Select); coding-DNA positions 1464 to 1465, 2 bases deleted (CA; older notation c.1464_1465delCA).
Protein change: p.His488fs; shifts the reading frame from histidine 488.
Molecular consequence: frameshift variant.
Genome position (GRCh38, 1-based): chr17:44,008,460-44,008,461, CA deleted; deleting any 2 consecutive bases within chr17:44,008,457-44,008,461 gives the same sequence; the c. name uses the placement nearest the transcript's 3' end. VCF-style (leftmost placement, unchanged base first): chr17-44008456-AAC-A. GRCh37 (hg19) VCF-style: chr17-42085824-AAC-A.
Other names: short protein forms H488fs.
Identifiers: ClinVar variation 3722817 (VCV003722817.2).